The following is an entry in ClinVar:

NM_021930.6(RINT1):c.973C>T (p.Arg325Trp)

Gene: RINT1 (RAD50 interactor 1; plus strand). Cytogenetic location: 7q22.3.
Variant type: single nucleotide variant.
Coding change: c.973C>T on transcript NM_021930.6 (MANE Select); coding-DNA position 973, C replaced by T.
Protein change: p.Arg325Trp; replaces arginine 325 with tryptophan.
Molecular consequence: missense variant. On other transcripts: 5 prime UTR variant (1), non-coding transcript variant (1), intron variant (1).
Genome position (GRCh38, 1-based): chr7:105,548,687, C>T. VCF-style: chr7-105548687-C-T. GRCh37 (hg19) VCF-style: chr7-105189134-C-T.
Other names: c.739C>T, p.Arg247Trp (NM_001346599.2); c.-47C>T (NM_001346600.2); c.49C>T, p.Arg17Trp (NM_001346601.2); c.-27-1368C>T (NM_001346603.2); short protein forms R325W, R17W, R247W.
Identifiers: ClinVar variation 410801 (VCV000410801.14), dbSNP rs753489260, ClinGen allele CA4426568.

ClinVar aggregate classification (germline): Uncertain significance. Review status: criteria provided, multiple submitters, no conflicts (2 of 4 stars). 2 submissions from 2 submitters: Uncertain significance (2). Last evaluated 2025-12-11.

Allele frequency attached by ClinVar (database versions not stated): gnomAD 0.00001; TOPMed 0.00001; ExAC 0.00002; gnomAD exomes 0.00003.
gnomAD v4.1: 11 of 1,613,214 alleles (0.00068%); highest among the groups gnomAD compares: East Asian, 0.0045%; no homozygotes.

Submissions (2):

Ambry Genetics
Classification: Uncertain significance. Last evaluated: 2025-12-11. Review status: criteria provided, single submitter. Criteria: Ambry Variant Classification Scheme 2023. Collection method: clinical testing. Allele origin: germline.
Comment: The p.R325W variant (also known as c.973C>T), located in coding exon 7 of the RINT1 gene, results from a C to T substitution at nucleotide position 973. The arginine at codon 325 is replaced by tryptophan, an amino acid with dissimilar properties. This amino acid position is highly conserved in available vertebrate species. In addition, the in silico prediction for this alteration is inconclusive. Since supporting evidence is limited at this time, the clinical significance of this alteration remains unclear.

Labcorp Genetics (formerly Invitae), Labcorp
Classification: Uncertain significance. Last evaluated: 2022-10-24. Review status: criteria provided, single submitter. Criteria: Invitae Variant Classification Sherloc (09022015). Collection method: clinical testing. Allele origin: germline.
Comment: This sequence change replaces arginine, which is basic and polar, with tryptophan, which is neutral and slightly polar, at codon 325 of the RINT1 protein (p.Arg325Trp). In summary, the available evidence is currently insufficient to determine the role of this variant in disease. Therefore, it has been classified as a Variant of Uncertain Significance. Algorithms developed to predict the effect of sequence changes on RNA splicing suggest that this variant may disrupt the consensus splice site. Algorithms developed to predict the effect of missense changes on protein structure and function are either unavailable or do not agree on the potential impact of this missense change (SIFT: "Deleterious"; PolyPhen-2: "Probably Damaging"; Align-GVGD: "Class C0"). ClinVar contains an entry for this variant (Variation ID: 410801). This variant has not been reported in the literature in individuals affected with RINT1-related conditions. This variant is present in population databases (rs753489260, gnomAD 0.01%).